The following is an entry in ClinVar:

ClinVar aggregate classification (germline): Uncertain significance. Review status: criteria provided, multiple submitters, no conflicts (2 of 4 stars). 2 submissions from 2 submitters: Uncertain significance (2). Last evaluated 2025-06-10.

Allele frequency attached by ClinVar (database versions not stated): ExAC 0.00004; gnomAD 0.00007; ESP Exome Variant Server 0.00008; TOPMed 0.00008; 1000 Genomes Project 0.00020; 1000 Genomes Project 30x 0.00031.
gnomAD v4.1: 118 of 1,561,194 alleles (0.0076%); highest among the groups gnomAD compares: Admixed American, 0.019%; no homozygotes.

Submissions (2):

Labcorp Genetics (formerly Invitae), Labcorp
Classification: Uncertain significance. Last evaluated: 2025-06-10. Review status: criteria provided, single submitter. Criteria: Invitae Variant Classification Sherloc (09022015). Collection method: clinical testing. Allele origin: germline.
Comment: This sequence change replaces arginine, which is basic and polar, with histidine, which is basic and polar, at codon 296 of the VAV1 protein (p.Arg296His). The frequency data for this variant in the population databases is considered unreliable, as metrics indicate poor data quality at this position in the gnomAD database. This variant has not been reported in the literature in individuals affected with VAV1-related conditions. ClinVar contains an entry for this variant (Variation ID: 2172287). An algorithm developed to predict the effect of missense changes on protein structure and function outputs the following: PolyPhen-2: "Benign". The histidine amino acid residue is found in multiple mammalian species, which suggests that this missense change does not adversely affect protein function. In summary, the available evidence is currently insufficient to determine the role of this variant in disease. Therefore, it has been classified as a Variant of Uncertain Significance.

Ambry Genetics
Classification: Uncertain significance. Last evaluated: 2024-10-28. Review status: criteria provided, single submitter. Criteria: Ambry Variant Classification Scheme 2023. Collection method: clinical testing. Allele origin: germline.

NM_005428.4(VAV1):c.887G>A (p.Arg296His)

Gene: VAV1 (vav guanine nucleotide exchange factor 1; plus strand). Cytogenetic location: 19p13.3.
Variant type: single nucleotide variant.
Coding change: c.887G>A on transcript NM_005428.4 (MANE Select); coding-DNA position 887, G replaced by A.
Protein change: p.Arg296His; replaces arginine 296 with histidine.
Molecular consequence: missense variant.
Genome position (GRCh38, 1-based): chr19:6,826,671, G>A. VCF-style: chr19-6826671-G-A. GRCh37 (hg19) VCF-style: chr19-6826682-G-A.
Other names: c.887G>A, p.Arg296His (NM_001258206.2); c.791G>A, p.Arg264His (NM_001258207.2); c.887G>A (NM_005428.2); short protein forms R264H, R296H.
Identifiers: ClinVar variation 2172287 (VCV002172287.5), dbSNP rs375777917, ClinGen allele CA9132372.